The following is an entry in ClinVar:

NM_005188.4(CBL):c.76A>C (p.Ile26Leu)

Genes: CBL (Cbl proto-oncogene; plus strand), LOC130006895 (ATAC-STARR-seq lymphoblastoid silent region 3975; plus strand). Cytogenetic location: 11q23.3.
Variant type: single nucleotide variant.
Coding change: c.76A>C on transcript NM_005188.4 (MANE Select); coding-DNA position 76, A replaced by C.
Protein change: p.Ile26Leu; replaces isoleucine 26 with leucine.
Molecular consequence: missense variant.
Genome position (GRCh38, 1-based): chr11:119,206,493, A>C. VCF-style: chr11-119206493-A-C. GRCh37 (hg19) VCF-style: chr11-119077203-A-C.
Other names: short protein forms I26L.
Identifiers: ClinVar variation 4868250 (VCV004868250.1).

ClinVar aggregate classification (germline): Uncertain significance (1 of 4 stars; one submission).

Conditions:
Cardiovascular phenotype. Identifiers: MedGen CN230736.

Submission:

Ambry Genetics
Classification: Uncertain significance for Cardiovascular phenotype. Last evaluated: 2026-05-14. Review status: criteria provided, single submitter. Criteria: Ambry Variant Classification Scheme 2023. Collection method: clinical testing. Allele origin: germline.
Comment: The p.I26L variant (also known as c.76A>C), located in coding exon 1 of the CBL gene, results from an A to C substitution at nucleotide position 76. The isoleucine at codon 26 is replaced by leucine, an amino acid with highly similar properties. This amino acid position is conserved. In addition, this alteration is predicted to be tolerated by in silico analysis. Based on the available evidence, the clinical significance of this variant remains unclear.